The following is an entry in ClinVar:

NM_022552.5(DNMT3A):c.2598-62G>A

Gene: DNMT3A (DNA methyltransferase 3 alpha; minus strand). Cytogenetic location: 2p23.3.
Variant type: single nucleotide variant.
Coding change: c.2598-62G>A on transcript NM_022552.5 (MANE Select); 62 bases into the intron before coding-DNA position 2598, G replaced by A.
Molecular consequence: intron variant.
Genome position (GRCh38, 1-based): chr2:25,234,482, C>T on the plus strand (G>A on the coding strand, the complement: DNMT3A is on the minus strand). VCF-style: chr2-25234482-C-T. GRCh37 (hg19) VCF-style: chr2-25457351-C-T.
Other names: c.2598-62G>A (NM_175629.2); c.2031-62G>A (NM_153759.3); c.2142-62G>A (NM_001320893.1); c.1929-62G>A (NM_001375819.1).
Identifiers: ClinVar variation 1193449 (VCV001193449.3), dbSNP rs77496230, ClinGen allele CA43696025.
Genomic context (GRCh38, chr2:25,234,482, plus strand): 5'-TGGGGGAGAAAAGGCAGAGAGGGCAGGGTGAGTGCTGGCCAGACCAGGCTGCCCGGAAGC[C>T]GTCTAACCACACAGCAGGACCCGGAGGACCAGCAGCCACCCGAAGTGCAGGGACAGGGGC-3'

ClinVar aggregate classification (germline): Benign/Likely benign. Review status: criteria provided, multiple submitters, no conflicts (2 of 4 stars). 2 submissions from 2 submitters: Benign (1); Likely benign (1). Last evaluated 2026-09-16.

Conditions:
Myeloproliferative neoplasm. Identifiers: Orphanet 98274, MedGen C1292778, MONDO:0020076.

Allele frequency attached by ClinVar (database versions not stated): TOPMed 0.00046; gnomAD 0.00144 and 0.00186; gnomAD exomes 0.00214; 1000 Genomes Project 30x 0.00406; 1000 Genomes Project 0.00519.
gnomAD v4.1: 3,190 of 1,549,300 alleles (0.21%); highest among the groups gnomAD compares: East Asian, 5.5%; 130 homozygotes.

Submissions (2):

Dept of Medical Biology, Uskudar University
Classification: Benign for Myeloproliferative neoplasm. Last evaluated: 2026-09-16. Review status: criteria provided, single submitter. Criteria: Dept of Medical Biology Variant Classification. Collection method: research. Allele origin: germline. Affected: yes. Observed: 1 variant allele.
Comment: BA1: allele frequency 6.0e-02 in the East Asian population and 2.1e-03 overall in gnomAD v4.1, above the stand-alone benign threshold. BP4: no predicted splicing effect (SpliceAI maximum delta score 0.00). Classified as benign under the ACMG/AMP 2015 guidelines (PMID:25741868). Detected in a retrospective series of 256 BCR::ABL1-negative and JAK2 V617F-negative patients referred for molecular investigation of a suspected myeloproliferative neoplasm (May 2007 to January 2015) and re-interpreted under the ACMG/AMP 2015 criteria.

GeneDx
Classification: Likely benign. Last evaluated: 2018-12-21. Review status: criteria provided, single submitter. Criteria: GeneDx Variant Classification Process June 2021. Collection method: clinical testing. Allele origin: germline. Affected: yes.